The following is an entry in ClinVar:

NM_005633.4(SOS1):c.1651G>A (p.Glu551Lys)

Gene: SOS1 (SOS Ras/Rac guanine nucleotide exchange factor 1; minus strand). Cytogenetic location: 2p22.1.
Variant type: single nucleotide variant.
Coding change: c.1651G>A on transcript NM_005633.4 (MANE Select); coding-DNA position 1651, G replaced by A.
Protein change: p.Glu551Lys; replaces glutamic acid 551 with lysine.
Molecular consequence: missense variant.
Genome position (GRCh38, 1-based): chr2:39,022,777, C>T on the plus strand (G>A on the coding strand, the complement: SOS1 is on the minus strand). VCF-style: chr2-39022777-C-T. GRCh37 (hg19) VCF-style: chr2-39249918-C-T.
Other names: c.1630G>A, p.Glu544Lys (NM_001382394.1); c.1651G>A, p.Glu551Lys (NM_001382395.1); short protein forms E544K, E551K.
Identifiers: ClinVar variation 4779859 (VCV004779859.1).

ClinVar aggregate classification (germline): Uncertain significance (1 of 4 stars; one submission).

Conditions:
RASopathy. Also called: Noonan spectrum disorder; rasopathies. Identifiers: Orphanet 536391, MedGen C5555857, MONDO:0021060.

gnomAD v4.1: 1 of 1,613,336 alleles (0.000062%); highest among the groups gnomAD compares: East Asian, 0.0022%; no homozygotes.

Submission:

Labcorp Genetics (formerly Invitae), Labcorp
Classification: Uncertain significance for RASopathy. Last evaluated: 2025-03-19. Review status: criteria provided, single submitter. Criteria: Invitae Variant Classification Sherloc (09022015). Collection method: clinical testing. Allele origin: germline.
Comment: This sequence change replaces glutamic acid, which is acidic and polar, with lysine, which is basic and polar, at codon 551 of the SOS1 protein (p.Glu551Lys). This variant is not present in population databases (gnomAD no frequency). This variant has not been reported in the literature in individuals affected with SOS1-related conditions. Invitae Evidence Modeling of protein sequence and biophysical properties (such as structural, functional, and spatial information, amino acid conservation, physicochemical variation, residue mobility, and thermodynamic stability) has been performed for this missense variant. However, the output from this modeling did not meet the statistical confidence thresholds required to predict the impact of this variant on SOS1 protein function. In summary, the available evidence is currently insufficient to determine the role of this variant in disease. Therefore, it has been classified as a Variant of Uncertain Significance.